The following is an entry in ClinVar:

NM_182894.3(VSX2):c.870dup (p.Asp291fs)

Gene: VSX2 (visual system homeobox 2; plus strand). Cytogenetic location: 14q24.3.
Variant type: Duplication.
Coding change: c.870dup on transcript NM_182894.3 (MANE Select); coding-DNA position 870, one base duplicated (C; older notation c.870dupC).
Protein change: p.Asp291fs; shifts the reading frame from aspartic acid 291.
Molecular consequence: frameshift variant.
Genome position (GRCh38, 1-based): chr14:74,260,703, C duplicated; the last of 4 consecutive C bases (chr14:74,260,700-74,260,703); duplicating any one gives the same sequence. VCF-style (leftmost placement, unchanged base first): chr14-74260699-G-GC. GRCh37 (hg19) VCF-style: chr14-74727402-G-GC.
Other names: short protein forms D291fs.
Identifiers: ClinVar variation 4817013 (VCV004817013.1).

ClinVar aggregate classification (germline): Likely pathogenic (1 of 4 stars; one submission).

Conditions:
Microphthalmia. Also called: Microphthalmos. Identifiers: MedGen C0026010, MONDO:0021129, HP:0000568.

Submission:

Natera, Inc.
Classification: Likely pathogenic for Microphthalmia. Last evaluated: 2025-07-24. Review status: criteria provided, single submitter. Criteria: Natera Variant Classification Schema (03/2026). Collection method: clinical testing. Allele origin: germline.
Comment: The c.870dup variant in VSX2 is a frameshift variant predicted to shift the reading frame beginning at codon 291 and leads to a stop codon 55 codons downstream. This variant is expected to result in nonsense mediated decay, truncation, or a dysfunctional protein product. This variant is rare in the general population with a frequency below the threshold expected for the associated phenotype(s). Given the available evidence, this variant is classified as Likely Pathogenic.